The following is an entry in ClinVar:

ClinVar aggregate classification (germline): Uncertain significance (1 of 4 stars; one submission).

Conditions:
Mitochondrial DNA depletion syndrome, encephalomyopathic form with methylmalonic aciduria (MTDPS5). Also called: MITOCHONDRIAL DNA DEPLETION SYNDROME, ENCEPHALOMYOPATHIC FORM, WITH OR WITHOUT METHYLMALONIC ACIDURIA, AUTOSOMAL RECESSIVE, SUCLA2-RELATED; Mitochondrial DNA depletion syndrome 5 (encephalomyopathic with or without methylmalonic aciduria); SUCLA2-Related Mitochondrial DNA Depletion Syndrome, Encephalomyopathic Form with Methylmalonic Aciduria; Mitochondrial encephalomyopathy aminoacidopathy. Identifiers: Orphanet 1933, MedGen C5980207, MONDO:0012791, OMIM 612073.

Submission:

Labcorp Genetics (formerly Invitae), Labcorp
Classification: Uncertain significance for Mitochondrial DNA depletion syndrome, encephalomyopathic form with methylmalonic aciduria. Last evaluated: 2025-04-14. Review status: criteria provided, single submitter. Criteria: Invitae Variant Classification Sherloc (09022015). Collection method: clinical testing. Allele origin: germline.
Comment: This sequence change affects codon 369 of the SUCLA2 mRNA. It is a 'silent' change, meaning that it does not change the encoded amino acid sequence of the SUCLA2 protein. This variant also falls at the last nucleotide of exon 8, which is part of the consensus splice site for this exon. This variant is not present in population databases (gnomAD no frequency). This variant has not been reported in the literature in individuals affected with SUCLA2-related conditions. ClinVar contains an entry for this variant (Variation ID: 3680189). An algorithm developed to predict the effect of missense changes on protein structure and function (PolyPhen-2) suggests that this variant is likely to be tolerated. Variants that disrupt the consensus splice site are a relatively common cause of aberrant splicing (PMID: 17576681, 9536098). In summary, the available evidence is currently insufficient to determine the role of this variant in disease. Therefore, it has been classified as a Variant of Uncertain Significance.

Literature cited by the submitters: PubMed 17576681; PubMed 9536098.

NM_003850.3(SUCLA2):c.1107G>C (p.Lys369Asn)

Gene: SUCLA2 (succinate-CoA ligase ADP-forming subunit beta; minus strand). Cytogenetic location: 13q14.2.
Variant type: single nucleotide variant.
Coding change: c.1107G>C on transcript NM_003850.3 (MANE Select); coding-DNA position 1107, G replaced by C.
Protein change: p.Lys369Asn; replaces lysine 369 with asparagine.
Molecular consequence: missense variant.
Genome position (GRCh38, 1-based): chr13:47,954,140, C>G on the plus strand (G>C on the coding strand, the complement: SUCLA2 is on the minus strand). VCF-style: chr13-47954140-C-G. GRCh37 (hg19) VCF-style: chr13-48528275-C-G.
Other names: short protein forms K369N.
Identifiers: ClinVar variation 3680189 (VCV003680189.2).